The following is an entry in ClinVar:

NM_006517.5(SLC16A2):c.1399+43T>G

Gene: SLC16A2 (solute carrier family 16 member 2; plus strand). Cytogenetic location: Xq13.2.
Variant type: single nucleotide variant.
Coding change: c.1399+43T>G on transcript NM_006517.5 (MANE Select); 43 bases into the intron after coding-DNA position 1399, T replaced by G.
Molecular consequence: intron variant.
Genome position (GRCh38, 1-based): chrX:74,529,484, T>G. VCF-style: chrX-74529484-T-G. GRCh37 (hg19) VCF-style: chrX-73749319-T-G.
Identifiers: ClinVar variation 159903 (VCV000159903.10), dbSNP rs5937843, ClinGen allele CA173462.

ClinVar aggregate classification (germline): Benign. Review status: criteria provided, multiple submitters, no conflicts (2 of 4 stars). 4 submissions from 4 submitters: Benign (3). 1 of the submissions does not count toward it. Last evaluated 2021-07-15.

Conditions:
Allan-Herndon-Dudley syndrome (AHDS). Also called: ALLAN-HERNDON SYNDROME; T3 RESISTANCE; TRIIODOTHYRONINE RESISTANCE; Passos-Bueno syndrome; MENTAL RETARDATION AND MUSCULAR ATROPHY. Identifiers: Orphanet 59, MedGen C0795889, MONDO:0010354, OMIM 300523.

Allele frequency attached by ClinVar (database versions not stated): 1000 Genomes Project 0.34384; 1000 Genomes Project 30x 0.35421; TOPMed 0.54096; gnomAD 0.57354 and 0.57946; ESP Exome Variant Server 0.59001; gnomAD exomes 0.60561; ExAC 0.60577.

Submissions (4):

Genome-Nilou Lab
Classification: Benign for Allan-Herndon-Dudley syndrome. Last evaluated: 2021-07-15. Review status: criteria provided, single submitter. Criteria: ACMG Guidelines, 2015. Collection method: clinical testing. Allele origin: germline. Affected: no.

GeneDx
Classification: Benign. Last evaluated: 2018-06-26. Review status: criteria provided, single submitter. Criteria: GeneDx Variant Classification Process June 2021. Collection method: clinical testing. Allele origin: germline. Affected: yes.

Breakthrough Genomics
Classification: Benign. Review status: criteria provided, single submitter. Criteria: ACMG Guidelines, 2015. Collection method: not provided. Allele origin: germline. Inheritance: X-linked inheritance. Affected: yes.

Genetic Services Laboratory, University of Chicago
Classification: Likely benign. Review status: no assertion criteria provided. Collection method: clinical testing. Allele origin: germline. Inheritance: X-linked inheritance. Not counted in ClinVar's aggregate classification.
Comment: Likely benign based on allele frequency in 1000 Genomes Project or ESP global frequency and its presence in a patient with a rare or unrelated disease phenotype. NOT Sanger confirmed